The following is an entry in ClinVar:

ClinVar aggregate classification (germline): Pathogenic (1 of 4 stars; one submission).

Conditions:
Short stature-onychodysplasia-facial dysmorphism-hypotrichosis syndrome. Also called: Short stature, onychodysplasia, facial dysmorphism, and hypotrichosis; SOFT SYNDROME. Identifiers: Orphanet 314394, MedGen C3542022, MONDO:0013894, OMIM 614813.

Submission:

3billion
Classification: Pathogenic for Short stature-onychodysplasia-facial dysmorphism-hypotrichosis syndrome. Last evaluated: 2025-06-17. Review status: criteria provided, single submitter. Criteria: ACMG Guidelines, 2015. Collection method: clinical testing. Allele origin: germline. Affected: yes.
Comment: The variant is not observed in the gnomAD v4.1.0 dataset. Predicted Consequence/Location: Frameshift: predicted to result in a loss or disruption of normal protein function through nonsense-mediated decay (NMD) or protein truncation. Multiple pathogenic variants are reported downstream of the variant. Therefore, this variant is classified as Pathogenic according to the recommendation of ACMG/AMP guideline.

NM_015426.5(POC1A):c.880_881del (p.Gln294fs)

Gene: POC1A (POC1 centriolar protein A; minus strand). Cytogenetic location: 3p21.2.
Variant type: Deletion.
Coding change: c.880_881del on transcript NM_015426.5 (MANE Select); coding-DNA positions 880 to 881, 2 bases deleted (CA; older notation c.880_881delCA).
Protein change: p.Gln294fs; shifts the reading frame from glutamine 294.
Molecular consequence: frameshift variant.
Genome position (GRCh38, 1-based): chr3:52,125,114-52,125,115, TG deleted on the plus strand (CA on the coding strand, the reverse complement: POC1A is on the minus strand); deleting any 2 consecutive bases within chr3:52,125,114-52,125,116 gives the same sequence; the c. name uses the placement nearest the transcript's 3' end. VCF-style (leftmost placement, unchanged base first): chr3-52125113-TTG-T. GRCh37 (hg19) VCF-style: chr3-52159129-TTG-T.
Other names: c.880_881del, p.Gln294fs (NM_001161580.2); c.766_767del, p.Gln256fs (NM_001161581.2); short protein forms Q256fs, Q294fs.
Identifiers: ClinVar variation 4855999 (VCV004855999.1).